The following is an entry in ClinVar:

NM_213599.3(ANO5):c.1631-4_1631-2del

Gene: ANO5 (anoctamin 5; plus strand). Cytogenetic location: 11p14.3.
Variant type: Deletion.
Coding change: c.1631-4_1631-2del on transcript NM_213599.3 (MANE Select); 4 bases into the intron before coding-DNA position 1631 through the canonical splice acceptor site of the intron before coding-DNA position 1631, 3 bases deleted (ACA; older notation c.1631-4_1631-2delACA).
Molecular consequence: splice acceptor variant.
Genome position (GRCh38, 1-based): chr11:22,262,125-22,262,127, ACA deleted; deleting any 3 consecutive bases within chr11:22,262,124-22,262,127 gives the same sequence; the c. name uses the placement nearest the transcript's 3' end. VCF-style (leftmost placement, unchanged base first): chr11-22262123-TAAC-T. GRCh37 (hg19) VCF-style: chr11-22283669-TAAC-T.
Other names: c.1628-4_1628-2del (NM_001142649.2).
Identifiers: ClinVar variation 1710661 (VCV001710661.3), dbSNP rs2494318017, ClinGen allele CA2580082875.
Genomic context (GRCh38, chr11:22,262,123, plus strand): 5'-TAGGGAGTACGAAGTTCAAGGAAAAAAATAAGAAGATGCACTAAACATTTTTTTTTAACT[TAAC>T]AGAAATTCCTCGAACATACCAGGAGTATGAGAGCAGTCTTACCTTGAAAATGTTCCTGTT-3'

ClinVar aggregate classification (germline): Uncertain significance (1 of 4 stars; one submission).

Submission:

GeneDx
Classification: Uncertain significance. Last evaluated: 2024-06-04. Review status: criteria provided, single submitter. Criteria: GeneDx Variant Classification Process June 2021. Collection method: clinical testing. Allele origin: germline. Affected: yes.
Comment: Not observed at significant frequency in large population cohorts (gnomAD); In silico analysis indicates that this variant does not alter splicing; Has not been previously published as pathogenic or benign to our knowledge